The following is an entry in ClinVar:

ClinVar aggregate classification (germline): Uncertain significance (1 of 4 stars; one submission).

Conditions:
Charcot-Marie-Tooth disease axonal type 2Z. Also called: CHARCOT-MARIE-TOOTH DISEASE, AXONAL, AUTOSOMAL DOMINANT, TYPE 2Z; CHARCOT-MARIE-TOOTH NEUROPATHY, TYPE 2Z. Identifiers: Orphanet 466768, MedGen C5569025, MONDO:0014736, OMIM 616688.

Allele frequency attached by ClinVar (database versions not stated): gnomAD exomes below 0.00001.
gnomAD v4.1: 1 of 1,391,322 alleles (0.000072%); highest among the groups gnomAD compares: Non-Finnish European, 0.000095%; no homozygotes.

Submission:

Labcorp Genetics (formerly Invitae), Labcorp
Classification: Uncertain significance for Charcot-Marie-Tooth disease axonal type 2Z. Last evaluated: 2021-05-17. Review status: criteria provided, single submitter. Criteria: Invitae Variant Classification Sherloc (09022015). Collection method: clinical testing. Allele origin: germline.
Comment: In summary, the available evidence is currently insufficient to determine the role of this variant in disease. Therefore, it has been classified as a Variant of Uncertain Significance. Advanced modeling of protein sequence and biophysical properties (such as structural, functional, and spatial information, amino acid conservation, physicochemical variation, residue mobility, and thermodynamic stability) performed at Invitae indicates that this missense variant is expected to disrupt MORC2 protein function. This variant has not been reported in the literature in individuals with MORC2-related conditions. This variant is not present in population databases (ExAC no frequency). This sequence change replaces leucine with valine at codon 64 of the MORC2 protein (p.Leu64Val). The leucine residue is highly conserved and there is a small physicochemical difference between leucine and valine.

NM_001303256.3(MORC2):c.190C>G (p.Leu64Val)

Gene: MORC2 (MORC family CW-type zinc finger 2; minus strand). Cytogenetic location: 22q12.2.
Variant type: single nucleotide variant.
Coding change: c.190C>G on transcript NM_001303256.3 (MANE Select); coding-DNA position 190, C replaced by G.
Protein change: p.Leu64Val; replaces leucine 64 with valine.
Molecular consequence: missense variant.
Genome position (GRCh38, 1-based): chr22:30,950,413, G>C on the plus strand (C>G on the coding strand, the complement: MORC2 is on the minus strand). VCF-style: chr22-30950413-G-C. GRCh37 (hg19) VCF-style: chr22-31346399-G-C.
Other names: c.190C>G, p.Leu64Val (NM_001303257.2); c.4C>G, p.Leu2Val (NM_014941.3); short protein forms L2V, L64V.
Identifiers: ClinVar variation 1391559 (VCV001391559.6), dbSNP rs2147286618, ClinGen allele CA411246217.